The following is an entry in ClinVar:

ClinVar aggregate classification (germline): Benign. Review status: criteria provided, multiple submitters, no conflicts (2 of 4 stars). 3 submissions from 3 submitters: Benign (3). Last evaluated 2026-01-28.

Conditions:
Hereditary North American Indian childhood cirrhosis. Identifiers: Orphanet 168583, MedGen C1858051, MONDO:0011497, OMIM 604901.

Allele frequency attached by ClinVar (database versions not stated): 1000 Genomes Project 0.01697; 1000 Genomes Project 30x 0.01702; TOPMed 0.02779; ESP Exome Variant Server 0.03024; gnomAD 0.03109 and 0.03200; ExAC 0.03230; gnomAD exomes 0.03339 and 0.03686.
gnomAD v4.1: 58,273 of 1,612,542 alleles (3.6%); highest among the groups gnomAD compares: Non-Finnish European, 3.9%; 1,189 homozygotes.

Submissions 1 to 30 of 65:

Labcorp Genetics (formerly Invitae), Labcorp
Classification: Benign. Last evaluated: 2026-01-28. Review status: criteria provided, single submitter. Criteria: Invitae Variant Classification Sherloc (09022015). Collection method: clinical testing. Allele origin: germline.

Illumina Laboratory Services, Illumina
Classification: Benign for Hereditary North American Indian childhood cirrhosis. Last evaluated: 2018-01-13. Review status: criteria provided, single submitter. Criteria: ICSL Variant Classification Criteria 13 December 2019. Collection method: clinical testing. Allele origin: germline.
Comment: This variant was observed in the ICSL laboratory as part of a predisposition screen in an ostensibly healthy population. It had not been previously curated by ICSL or reported in the Human Gene Mutation Database (HGMD: prior to June 1st, 2018), and was therefore a candidate for classification through an automated scoring system. Utilizing variant allele frequency, disease prevalence and penetrance estimates, and inheritance mode, an automated score was calculated to assess if this variant is too frequent to cause the disease. Based on the score and internal cut-off values, a variant classified as benign is not then subjected to further curation. The score for this variant resulted in a classification of benign for this disease.

Breakthrough Genomics
Classification: Benign. Review status: criteria provided, single submitter. Criteria: ACMG Guidelines, 2015. Collection method: not provided. Allele origin: germline. Inheritance: Unknown mechanism. Affected: yes.

Dr. Peter K. Rogan Lab, Western University
No classification provided (evidence only). Condition: Acute myeloid leukemia. Review status: no classification provided. Collection method: in vitro. Allele origin: not applicable. Functional consequence: retained intron. Not counted in ClinVar's aggregate classification.

Dr. Peter K. Rogan Lab, Western University
No classification provided (evidence only). Condition: Acute myeloid leukemia. Review status: no classification provided. Collection method: in vitro. Allele origin: not applicable. Functional consequence: retained intron. Not counted in ClinVar's aggregate classification.

Dr. Peter K. Rogan Lab, Western University
No classification provided (evidence only). Condition: Acute myeloid leukemia. Review status: no classification provided. Collection method: in vitro. Allele origin: not applicable. Functional consequence: retained intron. Not counted in ClinVar's aggregate classification.

Dr. Peter K. Rogan Lab, Western University
No classification provided (evidence only). Condition: Acute myeloid leukemia. Review status: no classification provided. Collection method: in vitro. Allele origin: not applicable. Functional consequence: retained intron. Not counted in ClinVar's aggregate classification.

Dr. Peter K. Rogan Lab, Western University
No classification provided (evidence only). Condition: Acute myeloid leukemia. Review status: no classification provided. Collection method: in vitro. Allele origin: not applicable. Functional consequence: retained intron. Not counted in ClinVar's aggregate classification.

Dr. Peter K. Rogan Lab, Western University
No classification provided (evidence only). Condition: Acute myeloid leukemia. Review status: no classification provided. Collection method: in vitro. Allele origin: not applicable. Functional consequence: retained intron. Not counted in ClinVar's aggregate classification.

Dr. Peter K. Rogan Lab, Western University
No classification provided (evidence only). Condition: Acute myeloid leukemia. Review status: no classification provided. Collection method: in vitro. Allele origin: not applicable. Functional consequence: retained intron. Not counted in ClinVar's aggregate classification.

Dr. Peter K. Rogan Lab, Western University
No classification provided (evidence only). Condition: Acute myeloid leukemia. Review status: no classification provided. Collection method: in vitro. Allele origin: not applicable. Functional consequence: retained intron. Not counted in ClinVar's aggregate classification.

Dr. Peter K. Rogan Lab, Western University
No classification provided (evidence only). Condition: Acute myeloid leukemia. Review status: no classification provided. Collection method: in vitro. Allele origin: not applicable. Functional consequence: retained intron. Not counted in ClinVar's aggregate classification.

Dr. Peter K. Rogan Lab, Western University
No classification provided (evidence only). Condition: Colon adenocarcinoma. Review status: no classification provided. Collection method: in vitro. Allele origin: not applicable. Functional consequence: retained intron. Not counted in ClinVar's aggregate classification.

Dr. Peter K. Rogan Lab, Western University
No classification provided (evidence only). Condition: Colon adenocarcinoma. Review status: no classification provided. Collection method: in vitro. Allele origin: not applicable. Functional consequence: retained intron. Not counted in ClinVar's aggregate classification.

Dr. Peter K. Rogan Lab, Western University
No classification provided (evidence only). Condition: Colon adenocarcinoma. Review status: no classification provided. Collection method: in vitro. Allele origin: not applicable. Functional consequence: retained intron. Not counted in ClinVar's aggregate classification.

Dr. Peter K. Rogan Lab, Western University
No classification provided (evidence only). Condition: Colon adenocarcinoma. Review status: no classification provided. Collection method: in vitro. Allele origin: not applicable. Functional consequence: retained intron. Not counted in ClinVar's aggregate classification.

Dr. Peter K. Rogan Lab, Western University
No classification provided (evidence only). Condition: Colon adenocarcinoma. Review status: no classification provided. Collection method: in vitro. Allele origin: not applicable. Functional consequence: retained intron. Not counted in ClinVar's aggregate classification.

Dr. Peter K. Rogan Lab, Western University
No classification provided (evidence only). Condition: Colon adenocarcinoma. Review status: no classification provided. Collection method: in vitro. Allele origin: not applicable. Functional consequence: retained intron. Not counted in ClinVar's aggregate classification.

Dr. Peter K. Rogan Lab, Western University
No classification provided (evidence only). Condition: Colon adenocarcinoma. Review status: no classification provided. Collection method: in vitro. Allele origin: not applicable. Functional consequence: retained intron. Not counted in ClinVar's aggregate classification.

Dr. Peter K. Rogan Lab, Western University
No classification provided (evidence only). Condition: Colon adenocarcinoma. Review status: no classification provided. Collection method: in vitro. Allele origin: not applicable. Functional consequence: retained intron. Not counted in ClinVar's aggregate classification.

Dr. Peter K. Rogan Lab, Western University
No classification provided (evidence only). Condition: Colon adenocarcinoma. Review status: no classification provided. Collection method: in vitro. Allele origin: not applicable. Functional consequence: retained intron. Not counted in ClinVar's aggregate classification.

Dr. Peter K. Rogan Lab, Western University
No classification provided (evidence only). Condition: Colorectal cancer. Review status: no classification provided. Collection method: in vitro. Allele origin: not applicable. Functional consequence: skipped exon, retained intron. Not counted in ClinVar's aggregate classification.

Dr. Peter K. Rogan Lab, Western University
No classification provided (evidence only). Condition: Colorectal cancer. Review status: no classification provided. Collection method: in vitro. Allele origin: not applicable. Functional consequence: retained intron. Not counted in ClinVar's aggregate classification.

Dr. Peter K. Rogan Lab, Western University
No classification provided (evidence only). Condition: Uterine corpus endometrial carcinoma. Review status: no classification provided. Collection method: in vitro. Allele origin: not applicable. Functional consequence: retained intron. Not counted in ClinVar's aggregate classification.

Dr. Peter K. Rogan Lab, Western University
No classification provided (evidence only). Condition: Uterine corpus endometrial carcinoma. Review status: no classification provided. Collection method: in vitro. Allele origin: not applicable. Functional consequence: skipped exon. Not counted in ClinVar's aggregate classification.

Dr. Peter K. Rogan Lab, Western University
No classification provided (evidence only). Condition: Uterine corpus endometrial carcinoma. Review status: no classification provided. Collection method: in vitro. Allele origin: not applicable. Functional consequence: retained intron. Not counted in ClinVar's aggregate classification.

Dr. Peter K. Rogan Lab, Western University
No classification provided (evidence only). Condition: Uterine corpus endometrial carcinoma. Review status: no classification provided. Collection method: in vitro. Allele origin: not applicable. Functional consequence: retained intron. Not counted in ClinVar's aggregate classification.

Dr. Peter K. Rogan Lab, Western University
No classification provided (evidence only). Condition: Uterine corpus endometrial carcinoma. Review status: no classification provided. Collection method: in vitro. Allele origin: not applicable. Functional consequence: retained intron. Not counted in ClinVar's aggregate classification.

Dr. Peter K. Rogan Lab, Western University
No classification provided (evidence only). Condition: Sarcoma. Review status: no classification provided. Collection method: in vitro. Allele origin: not applicable. Functional consequence: retained intron. Not counted in ClinVar's aggregate classification.

Dr. Peter K. Rogan Lab, Western University
No classification provided (evidence only). Condition: Sarcoma. Review status: no classification provided. Collection method: in vitro. Allele origin: not applicable. Functional consequence: retained intron. Not counted in ClinVar's aggregate classification.

NM_032830.3(UTP4):c.1906C>T (p.Arg636Cys)

Gene: UTP4 (UTP4 small subunit processome component). Cytogenetic location: 16q22.1.
Variant type: single nucleotide variant.
Coding change: c.1906C>T on transcript NM_032830.3 (MANE Select); coding-DNA position 1906, C replaced by T.
Protein change: p.Arg636Cys; replaces arginine 636 with cysteine.
Molecular consequence: missense variant.
Genome position (GRCh38, 1-based): chr16:69,167,147, C>T. VCF-style: chr16-69167147-C-T. GRCh37 (hg19) VCF-style: chr16-69201050-C-T.
Other names: c.1657C>T, p.Arg553Cys (NM_001318391.2); short protein forms R553C, R636C.
Identifiers: ClinVar variation 887109 (VCV000887109.10), dbSNP rs61185783, ClinGen allele CA8132586.